The following is an entry in ClinVar:

ClinVar aggregate classification (germline): Benign/Likely benign. Review status: criteria provided, multiple submitters, no conflicts (2 of 4 stars). 6 submissions from 6 submitters: Benign (5); Likely benign (1). Last evaluated 2026-09-01.

Allele frequency attached by ClinVar (database versions not stated): 1000 Genomes Project 30x 0.00078; 1000 Genomes Project 0.00100; TOPMed 0.00200; ExAC 0.00247; gnomAD 0.00248 and 0.00250; gnomAD exomes 0.00250 and 0.00339; ESP Exome Variant Server 0.00277.

Submissions (6):

CeGaT Center for Human Genetics Tuebingen
Classification: Benign. Last evaluated: 2026-09-01. Review status: criteria provided, single submitter. Criteria: CeGaT Center For Human Genetics Tuebingen Variant Classification Criteria Version 2. Collection method: clinical testing. Allele origin: germline. Affected: yes. Observed: 10 variant alleles.
Comment: TUBA1A: BP4, BP7, BS1, BS2

Labcorp Genetics (formerly Invitae), Labcorp
Classification: Benign. Last evaluated: 2025-12-08. Review status: criteria provided, single submitter. Criteria: Invitae Variant Classification Sherloc (09022015). Collection method: clinical testing. Allele origin: germline.

Blueprint Genetics
Classification: Likely benign. Last evaluated: 2024-11-27. Review status: criteria provided, single submitter. Criteria: ACMG Guidelines, 2015. Collection method: clinical testing. Allele origin: germline.

GeneDx
Classification: Benign. Last evaluated: 2019-04-10. Review status: criteria provided, single submitter. Criteria: GeneDx Variant Classification Process June 2021. Collection method: clinical testing. Allele origin: germline. Affected: yes.

Athena Diagnostics
Classification: Benign. Last evaluated: 2018-11-07. Review status: criteria provided, single submitter. Criteria: Athena Diagnostics Criteria. Collection method: clinical testing. Allele origin: germline.

Genetic Services Laboratory, University of Chicago
Classification: Benign. Last evaluated: 2016-10-31. Review status: criteria provided, single submitter. Criteria: ACMG Guidelines, 2015. Collection method: clinical testing. Allele origin: germline. Affected: no.

NM_006009.4(TUBA1A):c.966C>T (p.Asp322=)

Gene: TUBA1A (tubulin alpha 1a; minus strand). Cytogenetic location: 12q13.12.
Variant type: single nucleotide variant.
Coding change: c.966C>T on transcript NM_006009.4 (MANE Select); coding-DNA position 966, C replaced by T.
Protein change: p.Asp322=; no amino-acid change (aspartic acid 322 retained).
Molecular consequence: synonymous variant.
Genome position (GRCh38, 1-based): chr12:49,185,400, G>A on the plus strand (C>T on the coding strand, the complement: TUBA1A is on the minus strand). VCF-style: chr12-49185400-G-A. GRCh37 (hg19) VCF-style: chr12-49579183-G-A.
Other names: c.966C>T, p.Asp322= (NM_001270399.2); c.861C>T, p.Asp287= (NM_001270400.2).
Identifiers: ClinVar variation 160165 (VCV000160165.43), dbSNP rs142641191, ClinGen allele CA213281.